The following is an entry in ClinVar:

NM_000263.4(NAGLU):c.2209C>G (p.Arg737Gly)

Gene: NAGLU (N-acetyl-alpha-glucosaminidase; plus strand). Cytogenetic location: 17q21.2.
Variant type: single nucleotide variant.
Coding change: c.2209C>G on transcript NM_000263.4 (MANE Select); coding-DNA position 2209, C replaced by G.
Protein change: p.Arg737Gly; replaces arginine 737 with glycine.
Molecular consequence: missense variant.
Genome position (GRCh38, 1-based): chr17:42,544,215, C>G. VCF-style: chr17-42544215-C-G. GRCh37 (hg19) VCF-style: chr17-40696233-C-G.
Other names: short protein forms R737G.
Identifiers: ClinVar variation 92693 (VCV000092693.29), dbSNP rs86312, ClinGen allele CA145929.

ClinVar aggregate classification (germline): Benign/Likely benign. Review status: criteria provided, multiple submitters, no conflicts (2 of 4 stars). 15 submissions from 14 submitters: Benign (9); Likely benign (2). 4 of the submissions do not count toward it. Last evaluated 2026-02-04.

Conditions:
Charcot-Marie-Tooth disease axonal type 2V. Also called: CHARCOT-MARIE-TOOTH NEUROPATHY, TYPE 2V; CHARCOT-MARIE-TOOTH DISEASE, AXONAL, AUTOSOMAL DOMINANT, TYPE 2V. Identifiers: Orphanet 447964, MedGen C5569050, MONDO:0014665, OMIM 616491.
Mucopolysaccharidosis, MPS-III-B (MPS3B). Also called: Mucopolysaccharidosis type IIIB (Sanfilippo B); N-ACETYL-ALPHA-D-GLUCOSAMINIDASE DEFICIENCY; NAGLU DEFICIENCY; MUCOPOLYSACCHARIDOSIS, TYPE IIIB; MPS IIIB (Sanfilippo Syndrome Type B); SANFILIPPO SYNDROME B. Identifiers: Orphanet 79270, MedGen C0086648, MONDO:0009656, OMIM 252920.

Allele frequency attached by ClinVar (database versions not stated): TOPMed 0.85545; ESP Exome Variant Server 0.84884; 1000 Genomes Project 30x 0.85337; 1000 Genomes Project 0.85923.
gnomAD v4.1: 1,472,900 of 1,610,842 alleles (91%); highest among the groups gnomAD compares: East Asian, 100%; 676,272 homozygotes.

Submissions (15):

Labcorp Genetics (formerly Invitae), Labcorp
Classification: Benign for Charcot-Marie-Tooth disease axonal type 2V; Mucopolysaccharidosis, MPS-III-B. Last evaluated: 2026-02-04. Review status: criteria provided, single submitter. Criteria: Invitae Variant Classification Sherloc (09022015). Collection method: clinical testing. Allele origin: germline.

Genomic Medicine Center of Excellence, King Faisal Specialist Hospital and Research Centre
Classification: Likely benign. Last evaluated: 2025-08-18. Review status: criteria provided, single submitter. Criteria: ACMG Guidelines, 2015. Collection method: clinical testing. Allele origin: germline.

Blueprint Genetics
Classification: Likely benign. Last evaluated: 2024-11-28. Review status: criteria provided, single submitter. Criteria: ACMG Guidelines, 2015. Collection method: clinical testing. Allele origin: germline.

Genome-Nilou Lab
Classification: Benign for Charcot-Marie-Tooth disease axonal type 2V. Last evaluated: 2021-09-05. Review status: criteria provided, single submitter. Criteria: ACMG Guidelines, 2015. Collection method: clinical testing. Allele origin: germline. Affected: no.

Genome-Nilou Lab
Classification: Benign for Mucopolysaccharidosis, MPS-III-B. Last evaluated: 2021-09-05. Review status: criteria provided, single submitter. Criteria: ACMG Guidelines, 2015. Collection method: clinical testing. Allele origin: germline. Affected: no.

Illumina Laboratory Services, Illumina
Classification: Benign for Mucopolysaccharidosis, MPS-III-B. Last evaluated: 2018-01-13. Review status: criteria provided, single submitter. Criteria: ICSL Variant Classification Criteria 13 December 2019. Collection method: clinical testing. Allele origin: germline.
Comment: This variant was observed in the ICSL laboratory as part of a predisposition screen in an ostensibly healthy population. It had not been previously curated by ICSL or reported in the Human Gene Mutation Database (HGMD: prior to June 1st, 2018), and was therefore a candidate for classification through an automated scoring system. Utilizing variant allele frequency, disease prevalence and penetrance estimates, and inheritance mode, an automated score was calculated to assess if this variant is too frequent to cause the disease. Based on the score and internal cut-off values, a variant classified as benign is not then subjected to further curation. The score for this variant resulted in a classification of benign for this disease.

Women's Health and Genetics/Laboratory Corporation of America, LabCorp
Classification: Benign. Last evaluated: 2016-12-05. Review status: criteria provided, single submitter. Criteria: LabCorp Variant Classification Summary - May 2015. Collection method: clinical testing. Allele origin: germline.
Comment: Variant summary: The NAGLU c.2209C>G (p.Arg737Gly) variant involves the alteration of a non-conserved nucleotide. 2/3 in silico tools predict a damaging outcome for this variant, however they are not definite. This variant was found in 108969/120346 control chromosomes (including 49702 homozygotes) at a frequency of 0.9054642, which is approximately 362 times the estimated maximal expected allele frequency of a pathogenic NAGLU variant (0.0025), thus showing that this variant is a benign polymorphism and allele G is an ancestral allele. In addition, clinical diagnostic laboratories/reputable databases have classified this variant as benign. Taken together, based on the prevalence in the general population this variant is classified as benign.

GeneDx
Classification: Benign. Last evaluated: 2015-03-03. Review status: criteria provided, single submitter. Criteria: GeneDx Variant Classification Process June 2021. Collection method: clinical testing. Allele origin: germline. Affected: yes.

Eurofins Ntd Llc (ga)
Classification: Benign. Last evaluated: 2013-10-23. Review status: criteria provided, single submitter. Criteria: EGL Classification Definitions 2015. Collection method: clinical testing. Allele origin: germline. Observed: 81 variant alleles, 14 heterozygotes, 67 homozygotes.

Breakthrough Genomics
Classification: Benign. Review status: criteria provided, single submitter. Criteria: ACMG Guidelines, 2015. Collection method: not provided. Allele origin: germline. Inheritance: Autosomal recessive inheritance. Affected: yes.

PreventionGenetics, part of Exact Sciences
Classification: Benign. Review status: criteria provided, single submitter. Criteria: ACMG Guidelines, 2015. Collection method: clinical testing. Allele origin: germline.

Natera, Inc.
Classification: Benign for Mucopolysaccharidosis type IIIB. Last evaluated: 2020-09-16. Review status: no assertion criteria provided. Collection method: clinical testing. Allele origin: germline. Not counted in ClinVar's aggregate classification.

Mayo Clinic Laboratories, Mayo Clinic
Classification: Benign. Last evaluated: 2015-10-23. Review status: no assertion criteria provided. Collection method: clinical testing. Allele origin: unknown. Not counted in ClinVar's aggregate classification.

Clinical Genetics, Academic Medical Center
Classification: Benign. Review status: no assertion criteria provided. Collection method: clinical testing. Allele origin: germline. Affected: yes. Study: VKGL Data-share Consensus. Not counted in ClinVar's aggregate classification.

Diagnostic Laboratory, Department of Genetics, University Medical Center Groningen
Classification: Benign for Mucopolysaccharidosis, MPS-III-B. Review status: no assertion criteria provided. Collection method: clinical testing. Allele origin: germline. Affected: yes. Study: VKGL Data-share Consensus. Not counted in ClinVar's aggregate classification.